The following is an entry in ClinVar:

ClinVar aggregate classification (germline): Pathogenic. Review status: reviewed by expert panel (3 of 4 stars). 3 submissions from 3 submitters: Pathogenic (1). 2 of the submissions do not count toward it. Last evaluated 2022-09-20.

Conditions:
Glanzmann thrombasthenia 2. Also called: BLEEDING DISORDER, PLATELET-TYPE, 23. Identifiers: MedGen C5543273, MONDO:0031009, OMIM 619267.
Glanzmann thrombasthenia. Also called: Thrombasthenia; BLEEDING DISORDER, PLATELET-TYPE, 2; THROMBASTHENIA OF GLANZMANN AND NAEGELI; PLATELET GLYCOPROTEIN IIb-IIIa DEFICIENCY; Glanzmann's thrombasthenia. Identifiers: Orphanet 849, MedGen C0040015, MONDO:0100326.

Submissions (3):

ClinGen Platelet Disorders Variant Curation Expert Panel, ClinGen
Classification: Pathogenic for Glanzmann thrombasthenia. Last evaluated: 2022-09-20. Review status: reviewed by expert panel. Criteria: ClinGen Platelet ACMG Specifications v2-1. Collection method: curation. Allele origin: germline. Inheritance: Autosomal recessive inheritance.
Comment: The NM_000212.3(ITGB3):c.1641C>A (p.Cys547Ter) variant in exon 10/15 is a nonsense variant predicted to lead to nonsense mediated decay in a gene in which loss-of-function is an established disease mechanism (PVS1). It has been reported homozygous (PM3_supporting) in at least one GT proband (P18 in PMID: 34275420) who displayed mucocutaneous bleeding and impaired aggregation with all agonists except ristocetin, which is highly specific for Glanzmann thrombasthenia. Additionally, αIIbβ3 surface expression was absent, as measured by flow cytometry (PP4_strong). This variant is absent from gnomAD v2.1.1 (PM2_Supporting). In summary, based on the available evidence at this time, the variant is classified as pathogenic for GT. GT-specific criteria applied: PVS1, PM2_Supporting, PM3_supporting, PP4_strong.

Women's Health and Genetics/Laboratory Corporation of America, LabCorp
Classification: Pathogenic for Glanzmann thrombasthenia 2. Last evaluated: 2024-10-10. Review status: criteria provided, single submitter. Criteria: LabCorp Variant Classification Summary - May 2015. Collection method: clinical testing. Allele origin: germline. Not counted in ClinVar's aggregate classification.
Comment: Variant summary: ITGB3 c.1641C>A (p.Cys547X) results in a premature termination codon, predicted to cause a truncation of the encoded protein or absence of the protein due to nonsense mediated decay, which are commonly known mechanisms for disease. The variant was absent in 244102 control chromosomes. c.1641C>A has been reported in the literature in individuals affected with Glanzmann Thrombasthenia (example: Koker_2022). These data indicate that the variant may be associated with disease. The following publication has been ascertained in the context of this evaluation (PMID: 34275420). ClinVar contains an entry for this variant (Variation ID: 977131). Based on the evidence outlined above, the variant was classified as pathogenic.

Departement d'Immunology Plaquettaire, Institut National de la Transfusion Sanguine
Classification: Pathogenic for Glanzmann thrombasthenia 1. Review status: criteria provided, single submitter. Criteria: ACMG Guidelines, 2015. Collection method: provider interpretation, research. Allele origin: germline. Inheritance: Autosomal recessive inheritance. Affected: yes. Observed: 5 variant alleles, 3 heterozygotes, 1 compound heterozygote, 1 homozygote. Not counted in ClinVar's aggregate classification.
Comment: The variant alters the expression of the platelets fibrinogen receptor alphaIIb beta3

Literature cited by the submitters: PubMed 34275420 (cited by Women's Health and Genetics/Laboratory Corporation of America, LabCorp); PubMed 32139434 (cited by Departement d'Immunology Plaquettaire, Institut National de la Transfusion Sanguine); PubMed 16722529 (cited by Departement d'Immunology Plaquettaire, Institut National de la Transfusion Sanguine).

NM_000212.3(ITGB3):c.1641C>A (p.Cys547Ter)

Gene: ITGB3 (integrin subunit beta 3; plus strand). Cytogenetic location: 17q21.32.
Variant type: single nucleotide variant.
Coding change: c.1641C>A on transcript NM_000212.3 (MANE Select); coding-DNA position 1641, C replaced by A.
Protein change: p.Cys547Ter; replaces cysteine 547 with a stop codon.
Molecular consequence: nonsense.
Genome position (GRCh38, 1-based): chr17:47,292,519, C>A. VCF-style: chr17-47292519-C-A. GRCh37 (hg19) VCF-style: chr17-45369885-C-A.
Other names: NM_000212.3(ITGB3):c.1641C>A; p.Cys547Ter; short protein forms C547*.
Identifiers: ClinVar variation 977131 (VCV000977131.3), dbSNP rs185135224, ClinGen allele CA400030168.